The following is an entry in ClinVar:

ClinVar aggregate classification (germline): Uncertain significance. Review status: criteria provided, multiple submitters, no conflicts (2 of 4 stars). 3 submissions from 3 submitters: Uncertain significance (3). Last evaluated 2025-01-21.

Conditions:
Cardiovascular phenotype. Identifiers: MedGen CN230736.
Myofibrillar myopathy 5. Also called: Filaminopathy (type); FILAMINOPATHY, AUTOSOMAL DOMINANT. Identifiers: Orphanet 171445, MedGen C1836050, MONDO:0012289, OMIM 609524.
Hypertrophic cardiomyopathy 26. Also called: Cardiomyopathy, familial hypertrophic, 26. Identifiers: Orphanet 75249, MedGen C4310749, MONDO:0014883, OMIM 617047.
Distal myopathy with posterior leg and anterior hand involvement. Also called: WILLIAMS DISTAL MYOPATHY. Identifiers: Orphanet 63273, MedGen C3279722, MONDO:0013550, OMIM 614065.

Allele frequency attached by ClinVar (database versions not stated): ExAC 0.00001; TOPMed 0.00001; gnomAD 0.00002.
gnomAD v4.1: 12 of 1,614,010 alleles (0.00074%); highest among the groups gnomAD compares: Non-Finnish European, 0.00093%; no homozygotes.

Submissions (3):

Ambry Genetics
Classification: Uncertain significance for Cardiovascular phenotype. Last evaluated: 2025-01-21. Review status: criteria provided, single submitter. Criteria: Ambry Variant Classification Scheme 2023. Collection method: clinical testing. Allele origin: germline.

Labcorp Genetics (formerly Invitae), Labcorp
Classification: Uncertain significance for Distal myopathy with posterior leg and anterior hand involvement; Myofibrillar myopathy 5; Hypertrophic cardiomyopathy 26. Last evaluated: 2024-06-10. Review status: criteria provided, single submitter. Criteria: Invitae Variant Classification Sherloc (09022015). Collection method: clinical testing. Allele origin: germline.
Comment: This sequence change replaces glycine, which is neutral and non-polar, with alanine, which is neutral and non-polar, at codon 1722 of the FLNC protein (p.Gly1722Ala). This variant is present in population databases (rs775405275, gnomAD 0.005%). This variant has not been reported in the literature in individuals affected with FLNC-related conditions. ClinVar contains an entry for this variant (Variation ID: 645600). Advanced modeling of protein sequence and biophysical properties (such as structural, functional, and spatial information, amino acid conservation, physicochemical variation, residue mobility, and thermodynamic stability) has been performed at Invitae for this missense variant, however the output from this modeling did not meet the statistical confidence thresholds required to predict the impact of this variant on FLNC protein function. In summary, the available evidence is currently insufficient to determine the role of this variant in disease. Therefore, it has been classified as a Variant of Uncertain Significance.

Fulgent Genetics
Classification: Uncertain significance for Myofibrillar myopathy 5; Distal myopathy with posterior leg and anterior hand involvement; Hypertrophic cardiomyopathy 26. Last evaluated: 2021-07-23. Review status: criteria provided, single submitter. Criteria: ACMG Guidelines, 2015. Collection method: clinical testing. Allele origin: unknown.

NM_001458.5(FLNC):c.5165G>C (p.Gly1722Ala)

Gene: FLNC (filamin C; plus strand). Cytogenetic location: 7q32.1.
Variant type: single nucleotide variant.
Coding change: c.5165G>C on transcript NM_001458.5 (MANE Select); coding-DNA position 5165, G replaced by C.
Protein change: p.Gly1722Ala; replaces glycine 1722 with alanine.
Molecular consequence: missense variant.
Genome position (GRCh38, 1-based): chr7:128,849,544, G>C. VCF-style: chr7-128849544-G-C. GRCh37 (hg19) VCF-style: chr7-128489598-G-C.
Other names: c.5165G>C, p.Gly1722Ala (NM_001127487.2); short protein forms G1722A.
Identifiers: ClinVar variation 645600 (VCV000645600.14), dbSNP rs775405275, ClinGen allele CA4475574.